The following is an entry in ClinVar:

ClinVar aggregate classification (germline): Uncertain significance (1 of 4 stars; one submission).

Conditions:
Gorlin syndrome. Also called: Nevoid Basal Cell Carcinoma Syndrome; Basal cell nevus syndrome. Identifiers: Orphanet 377, MedGen C0004779, MONDO:0007187.
Medulloblastoma (MDB). Also called: MEDULLOBLASTOMA PREDISPOSITION SYNDROME; Medulloblastoma, somatic. Identifiers: Orphanet 616, MedGen C0025149, MeSH D008527, MONDO:0007959, OMIM 155255, HP:0002885.

Submission:

Labcorp Genetics (formerly Invitae), Labcorp
Classification: Uncertain significance for Gorlin syndrome; Medulloblastoma. Last evaluated: 2022-07-26. Review status: criteria provided, single submitter. Criteria: Invitae Variant Classification Sherloc (09022015). Collection method: clinical testing. Allele origin: germline.
Comment: In summary, the available evidence is currently insufficient to determine the role of this variant in disease. Therefore, it has been classified as a Variant of Uncertain Significance. Algorithms developed to predict the effect of missense changes on protein structure and function are either unavailable or do not agree on the potential impact of this missense change (SIFT: "Tolerated"; PolyPhen-2: "Probably Damaging"; Align-GVGD: "Class C0"). This variant has not been reported in the literature in individuals affected with SUFU-related conditions. This variant is not present in population databases (gnomAD no frequency). This sequence change replaces serine, which is neutral and polar, with cysteine, which is neutral and slightly polar, at codon 157 of the SUFU protein (p.Ser157Cys).

NM_016169.4(SUFU):c.469A>T (p.Ser157Cys)

Gene: SUFU (SUFU negative regulator of hedgehog signaling; plus strand). Cytogenetic location: 10q24.32.
Variant type: single nucleotide variant.
Coding change: c.469A>T on transcript NM_016169.4 (MANE Select); coding-DNA position 469, A replaced by T.
Protein change: p.Ser157Cys; replaces serine 157 with cysteine.
Molecular consequence: missense variant.
Genome position (GRCh38, 1-based): chr10:102,592,596, A>T. VCF-style: chr10-102592596-A-T. GRCh37 (hg19) VCF-style: chr10-104352353-A-T.
Other names: c.469A>T, p.Ser157Cys (NM_001178133.2); short protein forms S157C.
Identifiers: ClinVar variation 1713884 (VCV001713884.6), dbSNP rs2063415039, ClinGen allele CA377908081.